The following is an entry in ClinVar:

NM_003579.4(RAD54L):c.1231G>T (p.Val411Phe)

Gene: RAD54L (RAD54 like; plus strand). Cytogenetic location: 1p34.1.
Variant type: single nucleotide variant.
Coding change: c.1231G>T on transcript NM_003579.4 (MANE Select); coding-DNA position 1231, G replaced by T.
Protein change: p.Val411Phe; replaces valine 411 with phenylalanine.
Molecular consequence: missense variant.
Genome position (GRCh38, 1-based): chr1:46,272,527, G>T. VCF-style: chr1-46272527-G-T. GRCh37 (hg19) VCF-style: chr1-46738199-G-T.
Other names: c.1231G>T, p.Val411Phe (NM_001142548.2); c.691G>T, p.Val231Phe (NM_001370766.1); short protein forms V231F, V411F.
Identifiers: ClinVar variation 3223398 (VCV003223398.1), dbSNP rs759610527, ClinGen allele CA834538.
Genomic context (GRCh38, chr1:46,272,527, plus strand): 5'-TGCCTGATACGGAGGACTTCTGATATCCTTTCTAAATATCTGCCTGTGAAGATTGAGCAG[G>T]TCGTTTGTTGTAGGTACTGAACTCAACTGAAAGATGTGGAGTGGGTCAAAGCCTAGCTCC-3'
Protein context (NP_003570.2, residues 401-421): SKYLPVKIEQ[Val411Phe]VCCRLTPLQT

ClinVar aggregate classification (germline): Uncertain significance (1 of 4 stars; one submission).

Allele frequency attached by ClinVar (database versions not stated): gnomAD exomes below 0.00001; ExAC 0.00001.
gnomAD v4.1: 3 of 1,612,126 alleles (0.00019%); highest among the groups gnomAD compares: South Asian, 0.0022%; no homozygotes.

Submission:

Ambry Genetics
Classification: Uncertain significance. Last evaluated: 2024-02-22. Review status: criteria provided, single submitter. Criteria: Ambry Variant Classification Scheme 2023. Collection method: clinical testing. Allele origin: germline.
Comment: The p.V411F variant (also known as c.1231G>T), located in coding exon 11 of the RAD54L gene, results from a G to T substitution at nucleotide position 1231. The valine at codon 411 is replaced by phenylalanine, an amino acid with highly similar properties. This amino acid position is conserved. In addition, this alteration is predicted to be deleterious by in silico analysis. Based on the available evidence, the clinical significance of this alteration remains unclear.